The following is an entry in ClinVar:

ClinVar aggregate classification (germline): Uncertain significance (1 of 4 stars; one submission).

gnomAD v4.1: 1 of 1,613,964 alleles (0.000062%); highest among the groups gnomAD compares: Non-Finnish European, 0.000085%; no homozygotes.

Submission:

Labcorp Genetics (formerly Invitae), Labcorp
Classification: Uncertain significance. Last evaluated: 2024-10-29. Review status: criteria provided, single submitter. Criteria: Invitae Variant Classification Sherloc (09022015). Collection method: clinical testing. Allele origin: germline.
Comment: This sequence change replaces aspartic acid, which is acidic and polar, with glycine, which is neutral and non-polar, at codon 856 of the NLRP1 protein (p.Asp856Gly). The frequency data for this variant in the population databases is considered unreliable, as metrics indicate poor data quality at this position in the gnomAD database. This variant has not been reported in the literature in individuals affected with NLRP1-related conditions. An algorithm developed to predict the effect of missense changes on protein structure and function (PolyPhen-2) suggests that this variant is likely to be tolerated. In summary, the available evidence is currently insufficient to determine the role of this variant in disease. Therefore, it has been classified as a Variant of Uncertain Significance.

NM_033004.4(NLRP1):c.2567A>G (p.Asp856Gly)

Gene: NLRP1 (NLR family pyrin domain containing 1; minus strand). Cytogenetic location: 17p13.2.
Variant type: single nucleotide variant.
Coding change: c.2567A>G on transcript NM_033004.4 (MANE Select); coding-DNA position 2567, A replaced by G.
Protein change: p.Asp856Gly; replaces aspartic acid 856 with glycine.
Molecular consequence: missense variant.
Genome position (GRCh38, 1-based): chr17:5,541,989, T>C on the plus strand (A>G on the coding strand, the complement: NLRP1 is on the minus strand). VCF-style: chr17-5541989-T-C. GRCh37 (hg19) VCF-style: chr17-5445309-T-C.
Other names: c.2567A>G, p.Asp856Gly (NM_001033053.3, NM_014922.5, NM_033006.4 and 1 more transcripts); short protein forms D856G.
Identifiers: ClinVar variation 3620476 (VCV003620476.2).
Genomic context (GRCh38, chr17:5,541,989, plus strand): 5'-ACATTGAAGCTCAGGTCCAGCTCGGTCAGGGTCTGGTTGGCTCTCAGCCCAAAGGCAAGG[T>C]CCTTGCAGTCCTCAGCTGTGAGGCCACAGCCAGCCAACCTGTGGAAGACACACACCCATG-3'
Protein context (NP_127497.1, residues 846-866): GCGLTAEDCK[Asp856Gly]LAFGLRANQT